The following is an entry in ClinVar:

ClinVar aggregate classification (germline): Likely benign. Review status: criteria provided, single submitter (1 of 4 stars). 3 submissions from 3 submitters: Likely benign (1). 2 of the submissions do not count toward it. Last evaluated 2024-10-17.

Conditions:
BBS12-related disorder. Also called: BBS12-related condition.
Bardet-Biedl syndrome (BBS). Identifiers: Orphanet 110, MedGen C0752166, MONDO:0015229.
Bardet-Biedl syndrome 12 (BBS12). Identifiers: Orphanet 110, MedGen C1859570, MONDO:0014440, OMIM 615989.

Allele frequency attached by ClinVar (database versions not stated): gnomAD exomes 0.00002; ExAC 0.00001; TOPMed 0.00002; gnomAD 0.00003 and 0.00004.

Submissions (3):

Labcorp Genetics (formerly Invitae), Labcorp
Classification: Likely benign for Bardet-Biedl syndrome. Last evaluated: 2024-10-17. Review status: criteria provided, single submitter. Criteria: Invitae Variant Classification Sherloc (09022015). Collection method: clinical testing. Allele origin: germline.

Natera, Inc.
Classification: Likely benign for Bardet-Biedl syndrome type 12. Last evaluated: 2020-09-16. Review status: no assertion criteria provided. Collection method: clinical testing. Allele origin: germline. Not counted in ClinVar's aggregate classification.

PreventionGenetics, part of Exact Sciences
Classification: Likely benign for BBS12-related condition. Last evaluated: 2020-09-09. Review status: no assertion criteria provided. Collection method: clinical testing. Allele origin: germline. Not counted in ClinVar's aggregate classification.
Comment: This variant is classified as likely benign based on ACMG/AMP sequence variant interpretation guidelines (Richards et al. 2015 PMID: 25741868, with internal and published modifications).

NM_152618.3(BBS12):c.21C>T (p.Val7=)

Gene: BBS12 (Bardet-Biedl syndrome 12; plus strand). Cytogenetic location: 4q27.
Variant type: single nucleotide variant.
Coding change: c.21C>T on transcript NM_152618.3 (MANE Select); coding-DNA position 21, C replaced by T.
Protein change: p.Val7=; no amino-acid change (valine 7 retained).
Molecular consequence: synonymous variant.
Genome position (GRCh38, 1-based): chr4:122,741,913, C>T. VCF-style: chr4-122741913-C-T. GRCh37 (hg19) VCF-style: chr4-123663068-C-T.
Other names: c.21C>T, p.Val7= (NM_001178007.2).
Identifiers: ClinVar variation 699932 (VCV000699932.12), dbSNP rs754702110, ClinGen allele CA3069218.